The following is an entry in ClinVar:

NM_017637.6(BNC2):c.3005C>T (p.Ser1002Leu)

Gene: BNC2 (basonuclin zinc finger protein 2; minus strand). Cytogenetic location: 9p22.3.
Variant type: single nucleotide variant.
Coding change: c.3005C>T on transcript NM_017637.6 (MANE Select); coding-DNA position 3005, C replaced by T.
Protein change: p.Ser1002Leu; replaces serine 1002 with leucine.
Molecular consequence: missense variant. On other transcripts: 3 prime UTR variant (1).
Genome position (GRCh38, 1-based): chr9:16,419,284, G>A on the plus strand (C>T on the coding strand, the complement: BNC2 is on the minus strand). VCF-style: chr9-16419284-G-A. GRCh37 (hg19) VCF-style: chr9-16419282-G-A.
Other names: c.*349C>T (NM_001317939.2); c.2720C>T, p.Ser907Leu (NM_001317940.2); short protein forms S1002L, S907L.
Identifiers: ClinVar variation 2190833 (VCV002190833.5), dbSNP rs752799809, ClinGen allele CA4995639.
Genomic context (GRCh38, chr9:16,419,284, plus strand): 5'-GATCCTGAAACTTCAGCCCCTAGGCTGCCAGGGAGGGCAGGGGCCTCGGCCTTGTGTGCC[G>A]ACTCCCCACTGTCACTCGCCCCGTCAATGTCATCGAGAAGAATCCCCTCATCGCTGCCTG-3'
Protein context (NP_060107.3, residues 992-1012): DIDGASDSGE[Ser1002Leu]AHKAEAPALP

ClinVar aggregate classification (germline): Uncertain significance. Review status: criteria provided, multiple submitters, no conflicts (2 of 4 stars). 2 submissions from 2 submitters: Uncertain significance (2). Last evaluated 2025-09-03.

Conditions:
Inborn genetic diseases. Identifiers: MedGen C0950123, MeSH D030342.

Allele frequency attached by ClinVar (database versions not stated): ExAC 0.00002; gnomAD 0.00001.
gnomAD v4.1: 19 of 1,613,948 alleles (0.0012%); highest among the groups gnomAD compares: South Asian, 0.0055%; no homozygotes.

Submissions (2):

Labcorp Genetics (formerly Invitae), Labcorp
Classification: Uncertain significance. Last evaluated: 2025-09-03. Review status: criteria provided, single submitter. Criteria: Invitae Variant Classification Sherloc (09022015). Collection method: clinical testing. Allele origin: germline.
Comment: This sequence change replaces serine, which is neutral and polar, with leucine, which is neutral and non-polar, at codon 1002 of the BNC2 protein (p.Ser1002Leu). This variant is present in population databases (rs752799809, gnomAD 0.01%). This variant has not been reported in the literature in individuals affected with BNC2-related conditions. ClinVar contains an entry for this variant (Variation ID: 2190833). An algorithm developed to predict the effect of missense changes on protein structure and function (PolyPhen-2) suggests that this variant is likely to be tolerated. In summary, the available evidence is currently insufficient to determine the role of this variant in disease. Therefore, it has been classified as a Variant of Uncertain Significance.

Ambry Genetics
Classification: Uncertain significance for Inborn genetic diseases. Last evaluated: 2025-08-28. Review status: criteria provided, single submitter. Criteria: Ambry Variant Classification Scheme 2023. Collection method: clinical testing. Allele origin: germline.